The following is an entry in ClinVar:

NM_007363.5(NONO):c.1086G>C (p.Met362Ile)

Gene: NONO (non-POU domain containing octamer binding; plus strand). Cytogenetic location: Xq13.1.
Variant type: single nucleotide variant.
Coding change: c.1086G>C on transcript NM_007363.5 (MANE Select); coding-DNA position 1086, G replaced by C.
Protein change: p.Met362Ile; replaces methionine 362 with isoleucine.
Molecular consequence: missense variant.
Genome position (GRCh38, 1-based): chrX:71,297,893, G>C. VCF-style: chrX-71297893-G-C. GRCh37 (hg19) VCF-style: chrX-70517743-G-C.
Other names: c.819G>C, p.Met273Ile (NM_001145410.2); c.1086G>C, p.Met362Ile (NM_001145408.2, NM_001145409.2); short protein forms M273I, M362I.
Identifiers: ClinVar variation 3650689 (VCV003650689.2).

ClinVar aggregate classification (germline): Uncertain significance (1 of 4 stars; one submission).

Submission:

Labcorp Genetics (formerly Invitae), Labcorp
Classification: Uncertain significance. Last evaluated: 2024-04-24. Review status: criteria provided, single submitter. Criteria: Invitae Variant Classification Sherloc (09022015). Collection method: clinical testing. Allele origin: germline.
Comment: This sequence change replaces methionine, which is neutral and non-polar, with isoleucine, which is neutral and non-polar, at codon 362 of the NONO protein (p.Met362Ile). This variant is not present in population databases (gnomAD no frequency). This variant has not been reported in the literature in individuals affected with NONO-related conditions. Advanced modeling of protein sequence and biophysical properties (such as structural, functional, and spatial information, amino acid conservation, physicochemical variation, residue mobility, and thermodynamic stability) performed at Invitae indicates that this missense variant is not expected to disrupt NONO protein function with a negative predictive value of 80%. In summary, the available evidence is currently insufficient to determine the role of this variant in disease. Therefore, it has been classified as a Variant of Uncertain Significance.